The following is an entry in ClinVar:

ClinVar aggregate classification (germline): Likely benign. Review status: criteria provided, multiple submitters, no conflicts (2 of 4 stars). 2 submissions from 2 submitters: Likely benign (2). Last evaluated 2025-05-01.

Conditions:
MKKS-related disorder. Also called: MKKS-related condition; MKKS-related disorders.
Bardet-Biedl syndrome (BBS). Identifiers: Orphanet 110, MedGen C0752166, MONDO:0015229.
McKusick-Kaufman syndrome (MKKS). Also called: HYDROMETROCOLPOS SYNDROME; HYDROMETROCOLPOS, POSTAXIAL POLYDACTYLY, AND CONGENITAL HEART MALFORMATION. Identifiers: Orphanet 2473, MedGen C0948368, MONDO:0009367, OMIM 236700.

Allele frequency attached by ClinVar (database versions not stated): gnomAD exomes below 0.00001; ExAC 0.00001.

Submissions (2):

PreventionGenetics, part of Exact Sciences
Classification: Likely benign for MKKS-related condition. Last evaluated: 2025-05-01. Review status: criteria provided, single submitter. Criteria: ACMG Guidelines, 2015. Collection method: clinical testing. Allele origin: germline.
Comment: This variant is classified as likely benign based on ACMG/AMP sequence variant interpretation guidelines (Richards et al. 2015 PMID: 25741868, with internal and published modifications).

Labcorp Genetics (formerly Invitae), Labcorp
Classification: Likely benign for McKusick-Kaufman syndrome; Bardet-Biedl syndrome. Last evaluated: 2025-01-13. Review status: criteria provided, single submitter. Criteria: Invitae Variant Classification Sherloc (09022015). Collection method: clinical testing. Allele origin: germline.

NM_170784.3(MKKS):c.498C>T (p.Leu166=)

Gene: MKKS (MKKS centrosomal shuttling protein; minus strand). Cytogenetic location: 20p12.2.
Variant type: single nucleotide variant.
Coding change: c.498C>T on transcript NM_170784.3 (MANE Select); coding-DNA position 498, C replaced by T.
Protein change: p.Leu166=; no amino-acid change (leucine 166 retained).
Molecular consequence: synonymous variant.
Genome position (GRCh38, 1-based): chr20:10,413,017, G>A on the plus strand (C>T on the coding strand, the complement: MKKS is on the minus strand). VCF-style: chr20-10413017-G-A. GRCh37 (hg19) VCF-style: chr20-10393665-G-A.
Other names: c.498C>T, p.Leu166= (NM_018848.3).
Identifiers: ClinVar variation 1559563 (VCV001559563.9), dbSNP rs767797613, ClinGen allele CA9763665.
Genomic context (GRCh38, chr20:10,413,017, plus strand): 5'-AATTGTAAGCAAAAAGGCTCTCAGGATCAAAGCACTGACATGCTCTGTTTCCTTTCTGGT[G>A]AGCATACAGGCAGGTTTACTTGTTAATATACTACGCACCAAACAAAGGAGGATCTGAGTA-3'
Protein context (NP_740754.1, residues 156-176): SILTSKPACM[Leu166=]TRKETEHVSA